The following is an entry in ClinVar:

NM_016239.4(MYO15A):c.8713+1G>A

Gene: MYO15A (myosin XVA; plus strand). Cytogenetic location: 17p11.2.
Variant type: single nucleotide variant.
Coding change: c.8713+1G>A on transcript NM_016239.4 (MANE Select); the canonical splice donor site of the intron after coding-DNA position 8713, G replaced by A.
Molecular consequence: splice donor variant.
Genome position (GRCh38, 1-based): chr17:18,157,066, G>A. VCF-style: chr17-18157066-G-A. GRCh37 (hg19) VCF-style: chr17-18060380-G-A.
Identifiers: ClinVar variation 3601407 (VCV003601407.1).

ClinVar aggregate classification (germline): Likely pathogenic (1 of 4 stars; one submission).

Conditions:
Autosomal recessive nonsyndromic hearing loss 3. Also called: NEUROSENSORY NONSYNDROMIC RECESSIVE DEAFNESS 3. Identifiers: Orphanet 90636, MedGen C1838263, MONDO:0010860, OMIM 600316.

Submission:

Institute of Rare Diseases, West China Hospital, Sichuan University
Classification: Likely pathogenic for Autosomal recessive nonsyndromic hearing loss 3. Last evaluated: 2025-01-09. Review status: criteria provided, single submitter. Criteria: ClinGen HL ACMG Specifications v1. Collection method: research. Allele origin: germline. Affected: yes.
Comment: PVS1;PM2_Supporting